The following is an entry in ClinVar:

NM_000057.4(BLM):c.2624C>A (p.Ala875Glu)

Gene: BLM (BLM RecQ like helicase; plus strand). Cytogenetic location: 15q26.1.
Variant type: single nucleotide variant.
Coding change: c.2624C>A on transcript NM_000057.4 (MANE Select); coding-DNA position 2624, C replaced by A.
Protein change: p.Ala875Glu; replaces alanine 875 with glutamic acid.
Molecular consequence: missense variant.
Genome position (GRCh38, 1-based): chr15:90,782,890, C>A. VCF-style: chr15-90782890-C-A. GRCh37 (hg19) VCF-style: chr15-91326120-C-A.
Other names: c.2624C>A, p.Ala875Glu (NM_001287246.2, NM_001287247.2); c.1499C>A, p.Ala500Glu (NM_001287248.2); short protein forms A500E, A875E.
Identifiers: ClinVar variation 821588 (VCV000821588.14), dbSNP rs1596250413, ClinGen allele CA393845739.

ClinVar aggregate classification (germline): Uncertain significance. Review status: criteria provided, multiple submitters, no conflicts (2 of 4 stars). 4 submissions from 4 submitters: Uncertain significance (3). 1 of the submissions does not count toward it. Last evaluated 2024-10-08.

Conditions:
Hereditary cancer-predisposing syndrome. Also called: Tumor predisposition; Hereditary Cancer Syndrome; Neoplastic Syndromes, Hereditary; Hereditary neoplastic syndrome. Identifiers: Orphanet 140162, MedGen C0027672, MeSH D009386, MONDO:0015356.
Bloom syndrome (BLM). Also called: Bloom-Torre-Machacek syndrome. Identifiers: Orphanet 125, MedGen C0005859, MONDO:0008876, OMIM 210900.

Allele frequency attached by ClinVar (database versions not stated): gnomAD exomes below 0.00001.
gnomAD v4.1: 1 of 1,613,710 alleles (0.000062%); highest among the groups gnomAD compares: Admixed American, 0.0017%; no homozygotes.

Submissions (4):

Labcorp Genetics (formerly Invitae), Labcorp
Classification: Uncertain significance for Bloom syndrome. Last evaluated: 2024-10-08. Review status: criteria provided, single submitter. Criteria: Invitae Variant Classification Sherloc (09022015). Collection method: clinical testing. Allele origin: germline.
Comment: This sequence change replaces alanine, which is neutral and non-polar, with glutamic acid, which is acidic and polar, at codon 875 of the BLM protein (p.Ala875Glu). This variant is not present in population databases (gnomAD no frequency). This variant has not been reported in the literature in individuals affected with BLM-related conditions. ClinVar contains an entry for this variant (Variation ID: 821588). Invitae Evidence Modeling of protein sequence and biophysical properties (such as structural, functional, and spatial information, amino acid conservation, physicochemical variation, residue mobility, and thermodynamic stability) indicates that this missense variant is expected to disrupt BLM protein function with a positive predictive value of 80%. In summary, the available evidence is currently insufficient to determine the role of this variant in disease. Therefore, it has been classified as a Variant of Uncertain Significance.

GeneDx
Classification: Uncertain significance. Last evaluated: 2022-04-12. Review status: criteria provided, single submitter. Criteria: GeneDx Variant Classification Process June 2021. Collection method: clinical testing. Allele origin: germline. Affected: yes.
Comment: Not observed at significant frequency in large population cohorts (gnomAD); In silico analysis supports that this missense variant does not alter protein structure/function; Has not been previously published as pathogenic or benign to our knowledge

Ambry Genetics
Classification: Uncertain significance for Hereditary cancer-predisposing syndrome. Last evaluated: 2018-05-04. Review status: criteria provided, single submitter. Criteria: Ambry Variant Classification Scheme 2023. Collection method: clinical testing. Allele origin: germline.
Comment: The p.A875E variant (also known as c.2624C>A), located in coding exon 12 of the BLM gene, results from a C to A substitution at nucleotide position 2624. The alanine at codon 875 is replaced by glutamic acid, an amino acid with dissimilar properties. This amino acid position is well conserved in available vertebrate species. In addition, this alteration is predicted to be tolerated by in silico analysis. Since supporting evidence is limited at this time, the clinical significance of this alteration remains unclear.

Natera, Inc.
Classification: Uncertain significance for Bloom syndrome. Last evaluated: 2020-07-17. Review status: no assertion criteria provided. Collection method: clinical testing. Allele origin: germline. Not counted in ClinVar's aggregate classification.